The following is an entry in ClinVar:

ClinVar aggregate classification (germline): Likely benign. Review status: criteria provided, multiple submitters, no conflicts (2 of 4 stars). 2 submissions from 2 submitters: Likely benign (2). Last evaluated 2023-02-03.

Allele frequency attached by ClinVar (database versions not stated): gnomAD exomes below 0.00001.
gnomAD v4.1: 1 of 1,613,950 alleles (0.000062%); highest among the groups gnomAD compares: Non-Finnish European, 0.000085%; no homozygotes.

Submissions (2):

Labcorp Genetics (formerly Invitae), Labcorp
Classification: Likely benign. Last evaluated: 2023-02-03. Review status: criteria provided, single submitter. Criteria: Invitae Variant Classification Sherloc (09022015). Collection method: clinical testing. Allele origin: germline.

CeGaT Center for Human Genetics Tuebingen
Classification: Likely benign. Last evaluated: 2022-11-01. Review status: criteria provided, single submitter. Criteria: CeGaT Center For Human Genetics Tuebingen Variant Classification Criteria Version 2. Collection method: clinical testing. Allele origin: germline. Affected: yes. Observed: 1 variant allele.
Comment: VCAN: BP4, BP7

NM_004385.5(VCAN):c.4383G>A (p.Leu1461=)

Genes: VCAN (versican; plus strand), VCAN-AS1 (VCAN antisense RNA 1; minus strand). Cytogenetic location: 5q14.3.
Variant type: single nucleotide variant.
Coding change: c.4383G>A on transcript NM_004385.5 (MANE Select); coding-DNA position 4383, G replaced by A.
Protein change: p.Leu1461=; no amino-acid change (leucine 1461 retained).
Molecular consequence: synonymous variant. On other transcripts: intron variant (2).
Genome position (GRCh38, 1-based): chr5:83,537,386, G>A. VCF-style: chr5-83537386-G-A. GRCh37 (hg19) VCF-style: chr5-82833205-G-A.
Other names: c.1422G>A, p.Leu474= (NM_001164097.2); c.4004-8151G>A (NM_001164098.2); c.1043-8151G>A (NM_001126336.3).
Identifiers: ClinVar variation 2655578 (VCV002655578.27), dbSNP rs1361751061, ClinGen allele CA445397769.